The following is an entry in ClinVar:

ClinVar aggregate classification (germline): Uncertain significance (1 of 4 stars; one submission).

Conditions:
Noonan syndrome 9 (NS9). Identifiers: Orphanet 648, MedGen C4225282, MONDO:0014691, OMIM 616559.

Submission:

Labcorp Genetics (formerly Invitae), Labcorp
Classification: Uncertain significance for Noonan syndrome 9. Last evaluated: 2022-08-30. Review status: criteria provided, single submitter. Criteria: Invitae Variant Classification Sherloc (09022015). Collection method: clinical testing. Allele origin: germline.
Comment: In summary, the available evidence is currently insufficient to determine the role of this variant in disease. Therefore, it has been classified as a Variant of Uncertain Significance. Algorithms developed to predict the effect of missense changes on protein structure and function (SIFT, PolyPhen-2, Align-GVGD) all suggest that this variant is likely to be tolerated. This variant has not been reported in the literature in individuals affected with SOS2-related conditions. This variant is not present in population databases (gnomAD no frequency). This sequence change replaces glutamine, which is neutral and polar, with arginine, which is basic and polar, at codon 159 of the SOS2 protein (p.Gln159Arg).

NM_006939.4(SOS2):c.476A>G (p.Gln159Arg)

Gene: SOS2 (SOS Ras/Rho guanine nucleotide exchange factor 2; minus strand). Cytogenetic location: 14q21.3.
Variant type: single nucleotide variant.
Coding change: c.476A>G on transcript NM_006939.4 (MANE Select); coding-DNA position 476, A replaced by G.
Protein change: p.Gln159Arg; replaces glutamine 159 with arginine.
Molecular consequence: missense variant.
Genome position (GRCh38, 1-based): chr14:50,199,725, T>C on the plus strand (A>G on the coding strand, the complement: SOS2 is on the minus strand). VCF-style: chr14-50199725-T-C. GRCh37 (hg19) VCF-style: chr14-50666443-T-C.
Other names: c.476A>G, p.Gln159Arg (NM_001411020.1); short protein forms Q159R.
Identifiers: ClinVar variation 2098752 (VCV002098752.4), dbSNP rs2503185500, ClinGen allele CA389649509.